The following is an entry in ClinVar:

NM_145262.4(GLYCTK):c.529+10C>T

Gene: GLYCTK (glycerate kinase; plus strand). Cytogenetic location: 3p21.2.
Variant type: single nucleotide variant.
Coding change: c.529+10C>T on transcript NM_145262.4 (MANE Select); 10 bases into the intron after coding-DNA position 529, C replaced by T.
Molecular consequence: intron variant.
Genome position (GRCh38, 1-based): chr3:52,291,121, C>T. VCF-style: chr3-52291121-C-T. GRCh37 (hg19) VCF-style: chr3-52325137-C-T.
Other names: c.529+10C>T (NM_001144951.2, NM_145262.3).
Identifiers: ClinVar variation 1582748 (VCV001582748.10), dbSNP rs751406166, ClinGen allele CA2432104.

ClinVar aggregate classification (germline): Likely benign. Review status: criteria provided, single submitter (1 of 4 stars). 2 submissions from 2 submitters: Likely benign (1). 1 of the submissions does not count toward it. Last evaluated 2025-11-13.

Conditions:
GLYCTK-related disorder. Also called: GLYCTK-related condition.

Allele frequency attached by ClinVar (database versions not stated): gnomAD 0.00007 and 0.00008; gnomAD exomes 0.00009 and 0.00016; TOPMed 0.00009; ExAC 0.00015.
gnomAD v4.1: 244 of 1,607,892 alleles (0.015%); highest among the groups gnomAD compares: Non-Finnish European, 0.019%; no homozygotes.

Submissions (2):

Labcorp Genetics (formerly Invitae), Labcorp
Classification: Likely benign. Last evaluated: 2025-11-13. Review status: criteria provided, single submitter. Criteria: Invitae Variant Classification Sherloc (09022015). Collection method: clinical testing. Allele origin: germline.

PreventionGenetics, part of Exact Sciences
Classification: Likely benign for GLYCTK-related condition. Last evaluated: 2021-01-04. Review status: no assertion criteria provided. Collection method: clinical testing. Allele origin: germline. Not counted in ClinVar's aggregate classification.
Comment: This variant is classified as likely benign based on ACMG/AMP sequence variant interpretation guidelines (Richards et al. 2015 PMID: 25741868, with internal and published modifications).